The following is an entry in ClinVar:

NM_000368.5(TSC1):c.2301G>T (p.Gln767His)

Gene: TSC1 (TSC complex subunit 1; minus strand). Cytogenetic location: 9q34.13.
Variant type: single nucleotide variant.
Coding change: c.2301G>T on transcript NM_000368.5 (MANE Select); coding-DNA position 2301, G replaced by T.
Protein change: p.Gln767His; replaces glutamine 767 with histidine.
Molecular consequence: missense variant.
Genome position (GRCh38, 1-based): chr9:132,902,695, C>A on the plus strand (G>T on the coding strand, the complement: TSC1 is on the minus strand). VCF-style: chr9-132902695-C-A. GRCh37 (hg19) VCF-style: chr9-135778082-C-A.
Other names: c.2298G>T, p.Gln766His (NM_001162426.2); c.2148G>T, p.Gln716His (NM_001162427.2); c.1938G>T, p.Gln646His (NM_001362177.2); short protein forms Q646H, Q716H, Q766H, Q767H.
Identifiers: ClinVar variation 1022576 (VCV001022576.8), dbSNP rs1845448996, ClinGen allele CA375359649.

ClinVar aggregate classification (germline): Uncertain significance (1 of 4 stars; one submission).

Conditions:
Tuberous sclerosis 1 (TSC1). Identifiers: Orphanet 805, MedGen C1854465, MONDO:0008612, OMIM 191100.

Submission:

Labcorp Genetics (formerly Invitae), Labcorp
Classification: Uncertain significance for Tuberous sclerosis 1. Last evaluated: 2023-03-08. Review status: criteria provided, single submitter. Criteria: Invitae Variant Classification Sherloc (09022015). Collection method: clinical testing. Allele origin: germline.
Comment: This sequence change replaces glutamine, which is neutral and polar, with histidine, which is basic and polar, at codon 767 of the TSC1 protein (p.Gln767His). This variant is not present in population databases (gnomAD no frequency). This variant has not been reported in the literature in individuals affected with TSC1-related conditions. ClinVar contains an entry for this variant (Variation ID: 1022576). Advanced modeling of protein sequence and biophysical properties (such as structural, functional, and spatial information, amino acid conservation, physicochemical variation, residue mobility, and thermodynamic stability) performed at Invitae indicates that this missense variant is not expected to disrupt TSC1 protein function. In summary, the available evidence is currently insufficient to determine the role of this variant in disease. Therefore, it has been classified as a Variant of Uncertain Significance.